The following is an entry in ClinVar:

NM_022114.4(PRDM16):c.2885G>C (p.Arg962Thr)

Gene: PRDM16 (PR/SET domain 16; plus strand). Cytogenetic location: 1p36.32.
Variant type: single nucleotide variant.
Coding change: c.2885G>C on transcript NM_022114.4 (MANE Select); coding-DNA position 2885, G replaced by C.
Protein change: p.Arg962Thr; replaces arginine 962 with threonine.
Molecular consequence: missense variant.
Genome position (GRCh38, 1-based): chr1:3,418,690, G>C. VCF-style: chr1-3418690-G-C. GRCh37 (hg19) VCF-style: chr1-3335254-G-C.
Other names: c.2885G>C, p.Arg962Thr (NM_199454.3); short protein forms R962T.
Identifiers: ClinVar variation 2046019 (VCV002046019.4), dbSNP rs2523914894, ClinGen allele CA338001726.
Genomic context (GRCh38, chr1:3,418,690, plus strand): 5'-AATCCTCCCTCACCCTCCCCACCTCCCTCCACCCCAGGTACTGTGGGAAGATCTTCCCCA[G>C]ATCAGCCAATCTCACCAGACACCTGAGGACGCACACTGGGGAGCAGCCGTACAGGTAGGT-3'
Protein context (NP_071397.3, residues 952-972): TCRYCGKIFP[Arg962Thr]SANLTRHLRT

ClinVar aggregate classification (germline): Uncertain significance (1 of 4 stars; one submission).

Conditions:
Left ventricular noncompaction 8 (LVNC8). Identifiers: Orphanet 154, Orphanet 54260, MedGen C3809288, MONDO:0014152, OMIM 615373.

Submission:

Labcorp Genetics (formerly Invitae), Labcorp
Classification: Uncertain significance for Left ventricular noncompaction 8. Last evaluated: 2021-12-18. Review status: criteria provided, single submitter. Criteria: Invitae Variant Classification Sherloc (09022015). Collection method: clinical testing. Allele origin: germline.
Comment: This sequence change replaces arginine, which is basic and polar, with threonine, which is neutral and polar, at codon 962 of the PRDM16 protein (p.Arg962Thr). This variant is not present in population databases (gnomAD no frequency). This variant has not been reported in the literature in individuals affected with PRDM16-related conditions. Algorithms developed to predict the effect of missense changes on protein structure and function (SIFT, PolyPhen-2, Align-GVGD) all suggest that this variant is likely to be disruptive. In summary, the available evidence is currently insufficient to determine the role of this variant in disease. Therefore, it has been classified as a Variant of Uncertain Significance.